The following is an entry in ClinVar:

NM_052813.5(CARD9):c.933C>T (p.Gly311=)

Gene: CARD9 (caspase recruitment domain family member 9; minus strand). Cytogenetic location: 9q34.3.
Variant type: single nucleotide variant.
Coding change: c.933C>T on transcript NM_052813.5 (MANE Select); coding-DNA position 933, C replaced by T.
Protein change: p.Gly311=; no amino-acid change (glycine 311 retained).
Molecular consequence: synonymous variant.
Genome position (GRCh38, 1-based): chr9:136,370,312, G>A on the plus strand (C>T on the coding strand, the complement: CARD9 is on the minus strand). VCF-style: chr9-136370312-G-A. GRCh37 (hg19) VCF-style: chr9-139264764-G-A.
Other names: c.933C>T, p.Gly311= (NM_052814.4).
Identifiers: ClinVar variation 2753886 (VCV002753886.3), dbSNP rs760427286, ClinGen allele CA467825455.

ClinVar aggregate classification (germline): Uncertain significance (1 of 4 stars; one submission).

Conditions:
Predisposition to invasive fungal disease due to CARD9 deficiency (IMD103). Also called: CARD9 IMMUNODEFICIENCY; IMMUNODEFICIENCY 103, SUSCEPTIBILITY TO FUNGAL INFECTIONS; Candidiasis, familial, 2, autosomal recessive. Identifiers: Orphanet 457088, MedGen C1859353, MONDO:0008905, OMIM 212050.

Allele frequency attached by ClinVar (database versions not stated): TOPMed below 0.00001; gnomAD 0.00001.

Submission:

Labcorp Genetics (formerly Invitae), Labcorp
Classification: Uncertain significance for Predisposition to invasive fungal disease due to CARD9 deficiency. Last evaluated: 2023-09-12. Review status: criteria provided, single submitter. Criteria: Invitae Variant Classification Sherloc (09022015). Collection method: clinical testing. Allele origin: germline.
Comment: In summary, the available evidence is currently insufficient to determine the role of this variant in disease. Therefore, it has been classified as a Variant of Uncertain Significance. Algorithms developed to predict the effect of sequence changes on RNA splicing suggest that this variant may disrupt the consensus splice site. This variant has not been reported in the literature in individuals affected with CARD9-related conditions. This variant is not present in population databases (gnomAD no frequency). This sequence change affects codon 311 of the CARD9 mRNA. It is a 'silent' change, meaning that it does not change the encoded amino acid sequence of the CARD9 protein.